The following is an entry in ClinVar:

NM_001376.5(DYNC1H1):c.10033G>A (p.Glu3345Lys)

Gene: DYNC1H1 (dynein cytoplasmic 1 heavy chain 1; plus strand). Cytogenetic location: 14q32.31.
Variant type: single nucleotide variant.
Coding change: c.10033G>A on transcript NM_001376.5 (MANE Select); coding-DNA position 10033, G replaced by A.
Protein change: p.Glu3345Lys; replaces glutamic acid 3345 with lysine.
Molecular consequence: missense variant.
Genome position (GRCh38, 1-based): chr14:102,032,421, G>A. VCF-style: chr14-102032421-G-A. GRCh37 (hg19) VCF-style: chr14-102498758-G-A.
Other names: short protein forms E3345K.
Identifiers: ClinVar variation 208747 (VCV000208747.4), dbSNP rs797044928, ClinGen allele CA204812.

ClinVar aggregate classification (germline): Pathogenic (1 of 4 stars; one submission).

Conditions:
Inborn genetic diseases. Identifiers: MedGen C0950123, MeSH D030342.

Submission:

Ambry Genetics
Classification: Pathogenic for Inborn genetic diseases. Last evaluated: 2013-07-20. Review status: criteria provided, single submitter. Criteria: Ambry Autosomal Dominant and X-Linked criteria (10/2015). Collection method: clinical testing. Allele origin: germline. Observed: 1 variant allele.
Comment: Ã¢â‚¬â€¹The c.10033G>A (p.E3345K) alteration is located in exon 52 (CDS 52) of the DYNC1H1 gene. This alteration results from a G to A substitution at nucleotide position 10033. The glutamic acid (E) at codon 3345 is replaced by lysine (K).The missense change is not observed in healthy cohorts:Based on data from the NHLBI Exome Sequencing Project (ESP), the c.10033G>A (p.E3345K) alteration was not observed among 6,503 individuals tested (0.0%). Allele frequency data for this nucleotide position are not currently available from the 1000 Genomes Project and the alteration is not currently listed in the Database of Single Nucleotide Polymorphisms (dbSNP).The altered amino acid is conserved throughout evolution:The p.E3345 amino acid is conserved throughout vertebrates.in silico prediction is conflicting:The p.E3345K alteration is predicted to be benign by PolyPhen but damaging by SIFT in silico analyses. Based on the available evidence, the DYNC1H1 c.10033G>A (p.E3345K) alteration is classified as a pathogenic mutation.